The following is an entry in ClinVar:

NM_000143.4(FH):c.1238T>C (p.Ile413Thr)

Gene: FH (fumarate hydratase; minus strand). Cytogenetic location: 1q43.
Variant type: single nucleotide variant.
Coding change: c.1238T>C on transcript NM_000143.4 (MANE Select); coding-DNA position 1238, T replaced by C.
Protein change: p.Ile413Thr; replaces isoleucine 413 with threonine.
Molecular consequence: missense variant.
Genome position (GRCh38, 1-based): chr1:241,500,589, A>G on the plus strand (T>C on the coding strand, the complement: FH is on the minus strand). VCF-style: chr1-241500589-A-G. GRCh37 (hg19) VCF-style: chr1-241663889-A-G.
Other names: short protein forms I413T.
Identifiers: ClinVar variation 2051983 (VCV002051983.4), dbSNP rs2147913395, ClinGen allele CA345436959.

ClinVar aggregate classification (germline): Uncertain significance (1 of 4 stars; one submission).

Submission:

Labcorp Genetics (formerly Invitae), Labcorp
Classification: Uncertain significance. Last evaluated: 2022-08-16. Review status: criteria provided, single submitter. Criteria: Invitae Variant Classification Sherloc (09022015). Collection method: clinical testing. Allele origin: germline.
Comment: In summary, the available evidence is currently insufficient to determine the role of this variant in disease. Therefore, it has been classified as a Variant of Uncertain Significance. Algorithms developed to predict the effect of missense changes on protein structure and function are either unavailable or do not agree on the potential impact of this missense change (SIFT: "Deleterious"; PolyPhen-2: "Benign"; Align-GVGD: "Class C0"). This variant has not been reported in the literature in individuals affected with FH-related conditions. This variant is not present in population databases (gnomAD no frequency). This sequence change replaces isoleucine, which is neutral and non-polar, with threonine, which is neutral and polar, at codon 413 of the FH protein (p.Ile413Thr).